The following is an entry in ClinVar:

ClinVar aggregate classification (germline): Uncertain significance (1 of 4 stars; one submission).

Conditions:
Dyskeratosis congenita, autosomal dominant 1 (DKCA1). Also called: Dyskeratosis congenita Scoggins type. Identifiers: Orphanet 1775, MedGen C4551974, MONDO:0007485, OMIM 127550. Inheritance: Variable.

Submission:

Labcorp Genetics (formerly Invitae), Labcorp
Classification: Uncertain significance for Dyskeratosis congenita, autosomal dominant 1. Last evaluated: 2019-12-03. Review status: criteria provided, single submitter. Criteria: Invitae Variant Classification Sherloc (09022015). Collection method: clinical testing. Allele origin: germline.
Comment: This variant is located within the template/pseudoknot domain of the TERC RNA component, which is required for RNA or RNP stability (PMID: 15082312, 21844345). Functional studies testing the effect of this variant on TERC secondary structure or function have not been reported. This variant has not been reported in the literature in individuals with TERC-related conditions. This variant is not present in population databases (ExAC no frequency). This variant occurs in the TERC gene, which encodes an RNA molecule that does not result in a protein product. In summary, the available evidence is currently insufficient to determine the role of this variant in disease. Therefore, it has been classified as a Variant of Uncertain Significance.

Literature cited by the submitters: PubMed 15082312; PubMed 21844345.

NC_000003.12:g.169764990C>A

Genes: TERC (telomerase RNA component; minus strand), LOC110806306 (telomerase RNA component (TERC) promoter; plus strand). Cytogenetic location: 3q26.2.
Variant type: single nucleotide variant.
Genome position: GRCh38 VCF-style: chr3-169764990-C-A. GRCh37 (hg19) VCF-style: chr3-169482778-C-A.
Identifiers: ClinVar variation 847907 (VCV000847907.10), dbSNP rs1777964145, ClinGen allele CA436715889.